The following is an entry in ClinVar:

ClinVar aggregate classification (germline): Uncertain significance. Review status: criteria provided, multiple submitters, no conflicts (2 of 4 stars). 2 submissions from 2 submitters: Uncertain significance (2). Last evaluated 2025-01-03.

Allele frequency attached by ClinVar (database versions not stated): gnomAD exomes 0.00002; TOPMed 0.00002; gnomAD 0.00003.
gnomAD v4.1: 33 of 1,613,798 alleles (0.002%); highest among the groups gnomAD compares: Non-Finnish European, 0.0025%; no homozygotes.

Submissions (2):

Labcorp Genetics (formerly Invitae), Labcorp
Classification: Uncertain significance. Last evaluated: 2025-01-03. Review status: criteria provided, single submitter. Criteria: Invitae Variant Classification Sherloc (09022015). Collection method: clinical testing. Allele origin: germline.
Comment: This sequence change replaces glycine, which is neutral and non-polar, with serine, which is neutral and polar, at codon 107 of the RIMS1 protein (p.Gly107Ser). This variant is present in population databases (no rsID available, gnomAD 0.0008%). This variant has not been reported in the literature in individuals affected with RIMS1-related conditions. ClinVar contains an entry for this variant (Variation ID: 2977266). An algorithm developed to predict the effect of missense changes on protein structure and function (PolyPhen-2) suggests that this variant is likely to be disruptive. In summary, the available evidence is currently insufficient to determine the role of this variant in disease. Therefore, it has been classified as a Variant of Uncertain Significance.

Blueprint Genetics
Classification: Uncertain significance. Last evaluated: 2023-12-28. Review status: criteria provided, single submitter. Criteria: ACMG Guidelines, 2015. Collection method: clinical testing. Allele origin: germline.

NM_014989.7(RIMS1):c.319G>A (p.Gly107Ser)

Gene: RIMS1 (regulating synaptic membrane exocytosis 1; plus strand). Cytogenetic location: 6q13.
Variant type: single nucleotide variant.
Coding change: c.319G>A on transcript NM_014989.7 (MANE Select); coding-DNA position 319, G replaced by A.
Protein change: p.Gly107Ser; replaces glycine 107 with serine.
Molecular consequence: missense variant.
Genome position (GRCh38, 1-based): chr6:72,097,022, G>A. VCF-style: chr6-72097022-G-A. GRCh37 (hg19) VCF-style: chr6-72806725-G-A.
Other names: c.316G>A, p.Gly106Ser (NM_001350411.1); c.238G>A, p.Gly80Ser (NM_001350412.1); c.319G>A, p.Gly107Ser (NM_001350413.1); short protein forms G106S, G107S, G80S.
Identifiers: ClinVar variation 2977266 (VCV002977266.4), dbSNP rs965656681, ClinGen allele CA141408059.